The following is an entry in ClinVar:

ClinVar aggregate classification (germline): Uncertain significance. Review status: criteria provided, multiple submitters, no conflicts (2 of 4 stars). 6 submissions from 6 submitters: Uncertain significance (5). 1 of the submissions does not count toward it. Last evaluated 2026-08-27.

Conditions:
MYO7A-related disorder. Also called: MYO7A-related disorders.
Usher syndrome type 1 (USH1). Also called: RETINITIS PIGMENTOSA AND CONGENITAL DEAFNESS. Identifiers: Orphanet 231169, Orphanet 886, MedGen C1568247, MONDO:0010168, OMIM 276900.
Autosomal dominant nonsyndromic hearing loss 11. Identifiers: Orphanet 90635, MedGen C1832475, MONDO:0011032, OMIM 601317.
Autosomal recessive nonsyndromic hearing loss 2. Also called: NEUROSENSORY NONSYNDROMIC RECESSIVE DEAFNESS 2; DEAFNESS, AUTOSOMAL RECESSIVE 2. Identifiers: Orphanet 90636, MedGen C1838701, MONDO:0010807, OMIM 600060.
Usher syndrome type 1B (USH1B). Also called: Usher syndrome type IB. Identifiers: MedGen C1848638, MONDO:0700087.

Allele frequency attached by ClinVar (database versions not stated): gnomAD 0.00003 and 0.00002; ExAC 0.00005; 1000 Genomes Project 30x 0.00016; 1000 Genomes Project 0.00020; gnomAD exomes 0.00001; TOPMed 0.00002.
gnomAD v4.1: 16 of 1,558,504 alleles (0.001%); highest among the groups gnomAD compares: Admixed American, 0.0038%; no homozygotes.

Submissions (6):

PreventionGenetics, part of Exact Sciences
Classification: Uncertain significance for MYO7A-related condition. Last evaluated: 2026-08-27. Review status: criteria provided, single submitter. Criteria: ACMG Guidelines, 2015. Collection method: clinical testing. Allele origin: germline.
Comment: The MYO7A c.1816C>T variant is predicted to result in the amino acid substitution p.Arg606Cys. This variant was previously reported in one individual with Usher syndrome (Fuster-Garcia et al. 2018. PubMed ID: 30459346). This variant is reported in 0.012% of alleles in individuals of Ashkenazi Jewish descent in gnomAD. At this time, the clinical significance of this variant is uncertain due to the absence of conclusive functional and genetic evidence.

Labcorp Genetics (formerly Invitae), Labcorp
Classification: Uncertain significance. Last evaluated: 2024-02-17. Review status: criteria provided, single submitter. Criteria: Invitae Variant Classification Sherloc (09022015). Collection method: clinical testing. Allele origin: germline.
Comment: This sequence change replaces arginine, which is basic and polar, with cysteine, which is neutral and slightly polar, at codon 606 of the MYO7A protein (p.Arg606Cys). The frequency data for this variant in the population databases is considered unreliable, as metrics indicate poor data quality at this position in the gnomAD database. This missense change has been observed in individual(s) with clinical features of Usher syndrome (PMID: 30459346). ClinVar contains an entry for this variant (Variation ID: 970272). Advanced modeling of protein sequence and biophysical properties (such as structural, functional, and spatial information, amino acid conservation, physicochemical variation, residue mobility, and thermodynamic stability) performed at Invitae indicates that this missense variant is expected to disrupt MYO7A protein function with a positive predictive value of 95%. In summary, the available evidence is currently insufficient to determine the role of this variant in disease. Therefore, it has been classified as a Variant of Uncertain Significance.

GeneDx
Classification: Uncertain significance. Last evaluated: 2023-01-31. Review status: criteria provided, single submitter. Criteria: GeneDx Variant Classification Process June 2021. Collection method: clinical testing. Allele origin: germline. Affected: yes.
Comment: Reported in a patient with Usher syndrome in published literature (Fuster-Garcia et al., 2018); clinical information is limited; In silico analysis supports that this missense variant has a deleterious effect on protein structure/function; This variant is associated with the following publications: (PMID: 30459346)

Blueprint Genetics
Classification: Uncertain significance. Last evaluated: 2022-09-22. Review status: criteria provided, single submitter. Criteria: ACMG Guidelines, 2015. Collection method: clinical testing. Allele origin: germline.

Department of Pathology and Laboratory Medicine, Sinai Health System
Classification: Uncertain significance for Usher syndrome type 1; Autosomal recessive nonsyndromic hearing loss 2; Autosomal dominant nonsyndromic hearing loss 11. Last evaluated: 2022-09-09. Review status: criteria provided, single submitter. Criteria: ACMG Guidelines, 2015. Collection method: research. Allele origin: germline.

Natera, Inc.
Classification: Uncertain significance for Usher syndrome type 1B. Last evaluated: 2020-07-14. Review status: no assertion criteria provided. Collection method: clinical testing. Allele origin: germline. Not counted in ClinVar's aggregate classification.

Literature cited by the submitters: PubMed 30459346 (cited by Labcorp Genetics (formerly Invitae), Labcorp).

NM_000260.4(MYO7A):c.1816C>T (p.Arg606Cys)

Gene: MYO7A (myosin VIIA; plus strand). Cytogenetic location: 11q13.5.
Variant type: single nucleotide variant.
Coding change: c.1816C>T on transcript NM_000260.4 (MANE Select); coding-DNA position 1816, C replaced by T.
Protein change: p.Arg606Cys; replaces arginine 606 with cysteine.
Molecular consequence: missense variant.
Genome position (GRCh38, 1-based): chr11:77,172,766, C>T. VCF-style: chr11-77172766-C-T. GRCh37 (hg19) VCF-style: chr11-76883812-C-T.
Other names: c.1816C>T, p.Arg606Cys (NM_001127180.2); c.1783C>T, p.Arg595Cys (NM_001369365.1); short protein forms R606C, R595C.
Identifiers: ClinVar variation 970272 (VCV000970272.13), dbSNP rs567139897, ClinGen allele CA6197621.